The following is an entry in ClinVar:

NM_025103.4(IFT74):c.1523T>C (p.Leu508Ser)

Gene: IFT74 (intraflagellar transport 74; plus strand). Cytogenetic location: 9p21.2.
Variant type: single nucleotide variant.
Coding change: c.1523T>C on transcript NM_025103.4 (MANE Select); coding-DNA position 1523, T replaced by C.
Protein change: p.Leu508Ser; replaces leucine 508 with serine.
Molecular consequence: missense variant.
Genome position (GRCh38, 1-based): chr9:27,056,359, T>C. VCF-style: chr9-27056359-T-C. GRCh37 (hg19) VCF-style: chr9-27056357-T-C.
Other names: c.1523T>C, p.Leu508Ser (NM_001099222.3, NM_001099223.3, NM_001349928.2); short protein forms L508S.
Identifiers: ClinVar variation 4763175 (VCV004763175.1).

ClinVar aggregate classification (germline): Uncertain significance (1 of 4 stars; one submission).

gnomAD v4.1: 1 of 1,590,510 alleles (0.000063%); highest among the groups gnomAD compares: South Asian, 0.0011%; no homozygotes.

Submission:

Labcorp Genetics (formerly Invitae), Labcorp
Classification: Uncertain significance. Last evaluated: 2025-03-17. Review status: criteria provided, single submitter. Criteria: Invitae Variant Classification Sherloc (09022015). Collection method: clinical testing. Allele origin: germline.
Comment: This sequence change replaces leucine, which is neutral and non-polar, with serine, which is neutral and polar, at codon 508 of the IFT74 protein (p.Leu508Ser). This variant is not present in population databases (gnomAD no frequency). This variant has not been reported in the literature in individuals affected with IFT74-related conditions. An algorithm developed to predict the effect of missense changes on protein structure and function (PolyPhen-2) suggests that this variant is likely to be disruptive. In summary, the available evidence is currently insufficient to determine the role of this variant in disease. Therefore, it has been classified as a Variant of Uncertain Significance.